The following is an entry in ClinVar:

NM_015338.6(ASXL1):c.3273C>T (p.Ala1091=)

Gene: ASXL1 (ASXL transcriptional regulator 1; plus strand). Cytogenetic location: 20q11.21.
Variant type: single nucleotide variant.
Coding change: c.3273C>T on transcript NM_015338.6 (MANE Select); coding-DNA position 3273, C replaced by T.
Protein change: p.Ala1091=; no amino-acid change (alanine 1091 retained).
Molecular consequence: synonymous variant.
Genome position (GRCh38, 1-based): chr20:32,435,985, C>T. VCF-style: chr20-32435985-C-T. GRCh37 (hg19) VCF-style: chr20-31023788-C-T.
Other names: c.3090C>T, p.Ala1030= (NM_001363734.1).
Identifiers: ClinVar variation 734232 (VCV000734232.12), dbSNP rs377353179, ClinGen allele CA9808785.

ClinVar aggregate classification (germline): Benign/Likely benign. Review status: criteria provided, multiple submitters, no conflicts (2 of 4 stars). 5 submissions from 5 submitters: Benign (3); Likely benign (2). Last evaluated 2026-05-01.

Conditions:
Bohring-Opitz syndrome. Also called: BOHRING SYNDROME; OPITZ TRIGONOCEPHALY-LIKE SYNDROME; ASXL1-Related Bohring-Opitz Syndrome; C-LIKE SYNDROME. Identifiers: Orphanet 97297, MedGen C0796232, MONDO:0011510, OMIM 605039.
Inborn genetic diseases. Identifiers: MedGen C0950123, MeSH D030342.

Allele frequency attached by ClinVar (database versions not stated): gnomAD 0.00002 and 0.00005; TOPMed 0.00006; ESP Exome Variant Server 0.00008; gnomAD exomes 0.00011 and 0.00018; ExAC 0.00020; 1000 Genomes Project 30x 0.00031; 1000 Genomes Project 0.00040.
gnomAD v4.1: 177 of 1,614,164 alleles (0.011%); highest among the groups gnomAD compares: South Asian, 0.1%; 1 homozygote.

Submissions (5):

CeGaT Center for Human Genetics Tuebingen
Classification: Likely benign. Last evaluated: 2026-05-01. Review status: criteria provided, single submitter. Criteria: CeGaT Center For Human Genetics Tuebingen Variant Classification Criteria Version 2. Collection method: clinical testing. Allele origin: germline. Affected: yes. Observed: 1 variant allele.
Comment: ASXL1: BP4, BP7, BS1

Labcorp Genetics (formerly Invitae), Labcorp
Classification: Benign. Last evaluated: 2025-03-18. Review status: criteria provided, single submitter. Criteria: Invitae Variant Classification Sherloc (09022015). Collection method: clinical testing. Allele origin: germline.

Ambry Genetics
Classification: Likely benign for Inborn genetic diseases. Last evaluated: 2024-11-26. Review status: criteria provided, single submitter. Criteria: Ambry Variant Classification Scheme 2023. Collection method: clinical testing. Allele origin: germline.

Genome-Nilou Lab
Classification: Benign for Bohring-Opitz syndrome. Last evaluated: 2021-12-05. Review status: criteria provided, single submitter. Criteria: ACMG Guidelines, 2015. Collection method: clinical testing. Allele origin: germline. Affected: no.

GeneDx
Classification: Benign. Last evaluated: 2020-12-17. Review status: criteria provided, single submitter. Criteria: GeneDx Variant Classification Process June 2021. Collection method: clinical testing. Allele origin: germline. Affected: yes.